The following is an entry in ClinVar:

ClinVar aggregate classification (germline): Likely benign (1 of 4 stars; one submission).

Allele frequency attached by ClinVar (database versions not stated): ExAC 0.00001; gnomAD 0.00003; TOPMed 0.00003.
gnomAD v4.1: 45 of 1,613,244 alleles (0.0028%); highest among the groups gnomAD compares: Non-Finnish European, 0.0037%; no homozygotes.

Submission:

CeGaT Center for Human Genetics Tuebingen
Classification: Likely benign. Last evaluated: 2022-08-01. Review status: criteria provided, single submitter. Criteria: CeGaT Center For Human Genetics Tuebingen Variant Classification Criteria Version 2. Collection method: clinical testing. Allele origin: germline. Affected: yes. Observed: 1 variant allele.
Comment: FBXL18: BP4, BP7

NM_024963.6(FBXL18):c.1074C>A (p.Ser358=)

Gene: FBXL18 (F-box and leucine rich repeat protein 18; minus strand). Cytogenetic location: 7p22.1.
Variant type: single nucleotide variant.
Coding change: c.1074C>A on transcript NM_024963.6 (MANE Select); coding-DNA position 1074, C replaced by A.
Protein change: p.Ser358=; no amino-acid change (serine 358 retained).
Molecular consequence: synonymous variant.
Genome position (GRCh38, 1-based): chr7:5,501,195, G>T on the plus strand (C>A on the coding strand, the complement: FBXL18 is on the minus strand). VCF-style: chr7-5501195-G-T. GRCh37 (hg19) VCF-style: chr7-5540826-G-T.
Other names: c.1074C>A, p.Ser358= (NM_001321213.2, NM_001363441.2, NM_001363442.2); c.774C>A, p.Ser258= (NM_001367780.1, NM_001367781.1).
Identifiers: ClinVar variation 2657285 (VCV002657285.24), dbSNP rs766862061, ClinGen allele CA4146549.